The following is an entry in ClinVar:

NM_201384.3(PLEC):c.10245G>A (p.Ala3415=)

Gene: PLEC (plectin; minus strand). Cytogenetic location: 8q24.3.
Variant type: single nucleotide variant.
Coding change: c.10245G>A on transcript NM_201384.3 (MANE Select); coding-DNA position 10245, G replaced by A.
Protein change: p.Ala3415=; no amino-acid change (alanine 3415 retained).
Molecular consequence: synonymous variant.
Genome position (GRCh38, 1-based): chr8:143,919,576, C>T on the plus strand (G>A on the coding strand, the complement: PLEC is on the minus strand). VCF-style: chr8-143919576-C-T. GRCh37 (hg19) VCF-style: chr8-144993744-C-T.
Other names: c.10326G>A, p.Ala3442= (NM_000445.5); c.10203G>A, p.Ala3401= (NM_201378.4); c.10179G>A, p.Ala3393= (NM_201379.3); c.10656G>A, p.Ala3552= (NM_201380.4); c.10149G>A, p.Ala3383= (NM_201381.3); c.10245G>A, p.Ala3415= (NM_201382.4); c.10257G>A, p.Ala3419= (NM_201383.3).
Identifiers: ClinVar variation 478789 (VCV000478789.9), dbSNP rs372914647, ClinGen allele CA4924713.

ClinVar aggregate classification (germline): Likely benign. Review status: criteria provided, multiple submitters, no conflicts (2 of 4 stars). 2 submissions from 2 submitters: Likely benign (2). Last evaluated 2025-08-18.

Conditions:
Epidermolysis bullosa simplex with nail dystrophy (EBS5D). Identifiers: MedGen C4225309, MONDO:0014661, OMIM 616487.
Epidermolysis bullosa simplex, Ogna type (EBS5A). Also called: Pidermolysis bullosa simplex 5A, Ogna type; EPIDERMOLYSIS BULLOSA SIMPLEX 5A, OGNA TYPE. Identifiers: Orphanet 79401, MedGen C0432317, MONDO:0007555, OMIM 131950.
Autosomal recessive limb-girdle muscular dystrophy type 2Q (LGMDR17). Also called: MUSCULAR DYSTROPHY, LIMB-GIRDLE, AUTOSOMAL RECESSIVE 17. Identifiers: Orphanet 254361, MedGen C3150989, MONDO:0013390, OMIM 613723.
Epidermolysis bullosa simplex 5C, with pyloric atresia (EBS5C). Also called: PLEC-Related Epidermolysis Bullosa with Pyloric Atresia; Epidermolysis bullosa simplex with pyloric atresia; PLEC1-Related Epidermolysis Bullosa with Pyloric Atresia. Identifiers: Orphanet 158684, MedGen C2677349, MONDO:0012807, OMIM 612138.
Epidermolysis bullosa simplex 5B, with muscular dystrophy (EBS5B). Also called: EPIDERMOLYSIS BULLOSA SIMPLEX AND LIMB-GIRDLE MUSCULAR DYSTROPHY; Epidermolysis bullosa simplex with muscular dystrophy. Identifiers: Orphanet 257, MedGen C2931072, MONDO:0009181, OMIM 226670.

Allele frequency attached by ClinVar (database versions not stated): gnomAD 0.00006 and 0.00007; TOPMed 0.00007; ESP Exome Variant Server 0.00008; gnomAD exomes 0.00008 and 0.00009; ExAC 0.00009; 1000 Genomes Project 0.00020; 1000 Genomes Project 30x 0.00031.

Submissions (2):

Labcorp Genetics (formerly Invitae), Labcorp
Classification: Likely benign for Autosomal recessive limb-girdle muscular dystrophy type 2Q; Epidermolysis bullosa simplex, Ogna type; Epidermolysis bullosa simplex with nail dystrophy; Epidermolysis bullosa simplex 5C, with pyloric atresia; Epidermolysis bullosa simplex 5B, with muscular dystrophy. Last evaluated: 2025-08-18. Review status: criteria provided, single submitter. Criteria: Invitae Variant Classification Sherloc (09022015). Collection method: clinical testing. Allele origin: germline.

GeneDx
Classification: Likely benign. Last evaluated: 2017-11-29. Review status: criteria provided, single submitter. Criteria: GeneDx Variant Classification (06012015). Collection method: clinical testing. Allele origin: germline. Affected: yes.
Comment: This variant is considered likely benign or benign based on one or more of the following criteria: it is a conservative change, it occurs at a poorly conserved position in the protein, it is predicted to be benign by multiple in silico algorithms, and/or has population frequency not consistent with disease.